The following is an entry in ClinVar:

ClinVar aggregate classification (germline): Uncertain significance. Review status: criteria provided, single submitter (1 of 4 stars). 2 submissions from 2 submitters: Uncertain significance (1). 1 of the submissions does not count toward it. Last evaluated 2021-08-28.

Conditions:
Niemann-Pick disease, type B. Also called: Chronic Visceral ASMD (Niemann-Pick Disease Type B; NPD-B). Identifiers: Orphanet 77293, MedGen C0268243, MONDO:0011871, OMIM 607616. Disease mechanism: loss of function.
Niemann-Pick disease, type A. Also called: SPHINGOMYELIN LIPIDOSIS; SPHINGOMYELINASE DEFICIENCY; Infantile Neurovisceral ASMD (Niemann-Pick Disease Type A; NPD-A). Identifiers: Orphanet 77292, MedGen C0268242, MONDO:0009756, OMIM 257200. Disease mechanism: loss of function.

Allele frequency attached by ClinVar (database versions not stated): gnomAD 0.00001; TOPMed 0.00001; ExAC 0.00002; gnomAD exomes 0.00002.
gnomAD v4.1: 37 of 1,611,998 alleles (0.0023%); highest among the groups gnomAD compares: Non-Finnish European, 0.003%; no homozygotes.

Submissions (2):

Labcorp Genetics (formerly Invitae), Labcorp
Classification: Uncertain significance for Niemann-Pick disease, type B; Niemann-Pick disease, type A. Last evaluated: 2021-08-28. Review status: criteria provided, single submitter. Criteria: Invitae Variant Classification Sherloc (09022015). Collection method: clinical testing. Allele origin: germline.
Comment: This sequence change replaces alanine with threonine at codon 238 of the SMPD1 protein (p.Ala238Thr). The alanine residue is weakly conserved and there is a small physicochemical difference between alanine and threonine. This variant is present in population databases (rs748936934, ExAC 0.003%). This variant has not been reported in the literature in individuals affected with SMPD1-related conditions. Algorithms developed to predict the effect of missense changes on protein structure and function output the following: SIFT: "Tolerated"; PolyPhen-2: "Benign"; Align-GVGD: "Class C0". The threonine amino acid residue is found in multiple mammalian species, which suggests that this missense change does not adversely affect protein function. In summary, the available evidence is currently insufficient to determine the role of this variant in disease. Therefore, it has been classified as a Variant of Uncertain Significance.

Natera, Inc.
Classification: Uncertain significance for Niemann-Pick Disease, Types A/B. Last evaluated: 2020-02-26. Review status: no assertion criteria provided. Collection method: clinical testing. Allele origin: germline. Not counted in ClinVar's aggregate classification.

NM_000543.5(SMPD1):c.712G>A (p.Ala238Thr)

Gene: SMPD1 (sphingomyelin phosphodiesterase 1; plus strand). Cytogenetic location: 11p15.4.
Variant type: single nucleotide variant.
Coding change: c.712G>A on transcript NM_000543.5 (MANE Select); coding-DNA position 712, G replaced by A.
Protein change: p.Ala238Thr; replaces alanine 238 with threonine.
Molecular consequence: missense variant. On other transcripts: 5 prime UTR variant (1), non-coding transcript variant (1).
Genome position (GRCh38, 1-based): chr11:6,391,777, G>A. VCF-style: chr11-6391777-G-A. GRCh37 (hg19) VCF-style: chr11-6413007-G-A.
Other names: c.709G>A, p.Ala237Thr (NM_001007593.3); c.712G>A, p.Ala238Thr (NM_001318087.2, NM_001365135.2); c.-250G>A (NM_001318088.2); short protein forms A237T, A238T.
Identifiers: ClinVar variation 1054223 (VCV001054223.3), dbSNP rs748936934, ClinGen allele CA5852669.